The following is an entry in ClinVar:

ClinVar aggregate classification (germline): Uncertain significance. Review status: criteria provided, multiple submitters, no conflicts (2 of 4 stars). 2 submissions from 2 submitters: Uncertain significance (2). Last evaluated 2025-02-24.

Conditions:
Spondyloepimetaphyseal dysplasia, PAPSS2 type. Also called: SEMD, PAKISTANI TYPE; BRACHYOLMIA TYPE 4 WITH MILD EPIPHYSEAL AND METAPHYSEAL CHANGES; SPONDYLODYSPLASIA AND PREMATURE PUBARCHE. Identifiers: Orphanet 93282, MedGen C2748516, MONDO:0019666, OMIM 612847.

Submissions (2):

GeneDx
Classification: Uncertain significance. Last evaluated: 2025-02-24. Review status: criteria provided, single submitter. Criteria: GeneDx Variant Classification Process June 2021. Collection method: clinical testing. Allele origin: germline. Affected: yes.
Comment: Not observed at significant frequency in large population cohorts (gnomAD); In silico analysis indicates that this missense variant does not alter protein structure/function; Has not been previously published as pathogenic or benign to our knowledge

Labcorp Genetics (formerly Invitae), Labcorp
Classification: Uncertain significance for Spondyloepimetaphyseal dysplasia, PAPSS2 type. Last evaluated: 2025-01-06. Review status: criteria provided, single submitter. Criteria: Invitae Variant Classification Sherloc (09022015). Collection method: clinical testing. Allele origin: germline.
Comment: This sequence change replaces glutamine, which is neutral and polar, with glutamic acid, which is acidic and polar, at codon 13 of the PAPSS2 protein (p.Gln13Glu). This variant is not present in population databases (gnomAD no frequency). This variant has not been reported in the literature in individuals affected with PAPSS2-related conditions. ClinVar contains an entry for this variant (Variation ID: 1950229). An algorithm developed to predict the effect of missense changes on protein structure and function (PolyPhen-2) suggests that this variant is likely to be tolerated. In summary, the available evidence is currently insufficient to determine the role of this variant in disease. Therefore, it has been classified as a Variant of Uncertain Significance.

NM_001015880.2(PAPSS2):c.37C>G (p.Gln13Glu)

Gene: PAPSS2 (3'-phosphoadenosine 5'-phosphosulfate synthase 2; plus strand). Cytogenetic location: 10q23.31.
Variant type: single nucleotide variant.
Coding change: c.37C>G on transcript NM_001015880.2 (MANE Select); coding-DNA position 37, C replaced by G.
Protein change: p.Gln13Glu; replaces glutamine 13 with glutamic acid.
Molecular consequence: missense variant.
Genome position (GRCh38, 1-based): chr10:87,709,205, C>G. VCF-style: chr10-87709205-C-G. GRCh37 (hg19) VCF-style: chr10-89468962-C-G.
Other names: c.37C>G, p.Gln13Glu (NM_004670.4); c.37C>G (NM_004670.3); short protein forms Q13E.
Identifiers: ClinVar variation 1950229 (VCV001950229.6), dbSNP rs1307443961, ClinGen allele CA377485148.